The following is an entry in ClinVar:

ClinVar aggregate classification (germline): Uncertain significance (1 of 4 stars; one submission).

Submission:

GeneDx
Classification: Uncertain significance. Last evaluated: 2026-02-22. Review status: criteria provided, single submitter. Criteria: GeneDx Variant Classification Process June 2021. Collection method: clinical testing. Allele origin: germline.
Comment: Not observed at significant frequency in large population cohorts (gnomAD); In silico analysis supports that this missense variant has a deleterious effect on protein structure/function; Has not been previously published as pathogenic or benign to our knowledge

NM_001291415.2(KDM6A):c.4113G>T (p.Trp1371Cys)

Gene: KDM6A (lysine demethylase 6A; plus strand). Cytogenetic location: Xp11.3.
Variant type: single nucleotide variant.
Coding change: c.4113G>T on transcript NM_001291415.2 (MANE Select); coding-DNA position 4113, G replaced by T.
Protein change: p.Trp1371Cys; replaces tryptophan 1371 with cysteine.
Molecular consequence: missense variant. On other transcripts: non-coding transcript variant (1).
Genome position (GRCh38, 1-based): chrX:45,107,488, G>T. VCF-style: chrX-45107488-G-T. GRCh37 (hg19) VCF-style: chrX-44966733-G-T.
Other names: c.3978G>T, p.Trp1326Cys (NM_001291416.2); c.3822G>T, p.Trp1274Cys (NM_001291417.2); c.3720G>T, p.Trp1240Cys (NM_001291418.2); c.3069G>T, p.Trp1023Cys (NM_001291421.2); c.3855G>T, p.Trp1285Cys (NM_001410742.1); c.4221G>T, p.Trp1407Cys (NM_001419809.1); c.4119G>T, p.Trp1373Cys (NM_001419810.1); c.4086G>T, p.Trp1362Cys (NM_001419811.1); and 5 more; short protein forms W1023C, W1274C, W1321C, W1355C, W1373C, W1240C, W1362C, W1371C.
Identifiers: ClinVar variation 5009855 (VCV005009855.1).